The following is an entry in ClinVar:

ClinVar aggregate classification (germline): Pathogenic (1 of 4 stars; one submission).

Conditions:
Nephronophthisis. Also called: Juvenile Nephronophthisis. Identifiers: Orphanet 655, MedGen C0687120, MONDO:0019005, HP:0000090.

Submission:

Labcorp Genetics (formerly Invitae), Labcorp
Classification: Pathogenic for Nephronophthisis. Last evaluated: 2025-03-06. Review status: criteria provided, single submitter. Criteria: Invitae Variant Classification Sherloc (09022015). Collection method: clinical testing. Allele origin: germline.
Comment: This sequence change creates a premature translational stop signal (p.Gly668Glufs*75) in the INVS gene. It is expected to result in an absent or disrupted protein product. Loss-of-function variants in INVS are known to be pathogenic (PMID: 12872123). This variant is not present in population databases (gnomAD no frequency). This variant has not been reported in the literature in individuals affected with INVS-related conditions. For these reasons, this variant has been classified as Pathogenic.

Literature cited by the submitters: PubMed 12872123.

NM_014425.5(INVS):c.2003del (p.Gly668fs)

Gene: INVS (inversin; plus strand). Cytogenetic location: 9q31.1.
Variant type: Deletion.
Coding change: c.2003del on transcript NM_014425.5 (MANE Select); coding-DNA position 2003, one base deleted (G; older notation c.2003delG).
Protein change: p.Gly668fs; shifts the reading frame from glycine 668.
Molecular consequence: frameshift variant. On other transcripts: non-coding transcript variant (1).
Genome position (GRCh38, 1-based): chr9:100,284,538, G deleted; the last of 2 consecutive G bases (chr9:100,284,537-100,284,538); deleting either gives the same sequence. VCF-style (leftmost placement, unchanged base first): chr9-100284536-CG-C. GRCh37 (hg19) VCF-style: chr9-103046818-CG-C.
Other names: c.1715del, p.Gly572fs (NM_001318381.2); c.1025del, p.Gly342fs (NM_001318382.2); short protein forms G342fs, G668fs, G572fs.
Identifiers: ClinVar variation 4714567 (VCV004714567.1).